The following continues an entry in ClinVar:

NM_000059.4(BRCA2):c.67+2T>C

Gene: BRCA2. ClinVar aggregate classification (germline): Pathogenic. Pathogenic (12).

Submissions 8 to 14 of 14:

Women's Health and Genetics/Laboratory Corporation of America, LabCorp
Classification: Pathogenic for Hereditary breast and ovarian cancer syndrome. Last evaluated: 2020-01-23. Review status: criteria provided, single submitter. Criteria: LabCorp Variant Classification Summary - May 2015. Collection method: clinical testing. Allele origin: germline.
Comment: Variant summary: BRCA2 c.67+2T>C is located in a canonical splice-site and is predicted to affect mRNA splicing resulting in a significantly altered protein due to either exon skipping, shortening, or inclusion of intronic material. Several computational tools predict a significant impact on normal splicing: Four predict the variant abolishes a canonical 5' splicing donor site. At least one publication reports experimental evidence that this variant affects mRNA splicing (Houdayer_2012). The variant allele was found at a frequency of 4e-06 in 250582 control chromosomes. c.67+2T>C has been reported in the literature in individuals affected with Hereditary Breast and Ovarian Cancer (example, Diez_2003, AlHannan_2019, Rebbeck_2018). These data indicate that the variant is likely to be associated with disease. Five clinical diagnostic laboratories and one consortium (CIMBA) have submitted clinical-significance assessments for this variant to ClinVar after 2014 without evidence for independent evaluation. All submitters classified the variant as pathogenic. Based on the evidence outlined above, the variant was classified as pathogenic.

Quest Diagnostics Nichols Institute San Juan Capistrano
Classification: Pathogenic. Last evaluated: 2018-10-11. Review status: criteria provided, single submitter. Criteria: Quest Diagnostics criteria. Collection method: clinical testing. Allele origin: germline.
Comment: The variant disrupts a canonical splice site, and is therefore predicted to significantly disrupt the protein structure. Found in at least one symptomatic patient, and found in general population data that is consistent with pathogenicity.

Geisinger Autism and Developmental Medicine Institute, Geisinger Health System
Classification: Pathogenic for Breast-ovarian cancer, familial, susceptibility to, 2. Last evaluated: 2017-10-04. Review status: criteria provided, single submitter. Criteria: ACMG Guidelines, 2015. Collection method: provider interpretation, clinical testing. Allele origin: paternal. Observed: 1 variant allele.
Comment: This variant has been reported in the literature and in ClinVar as a pathogenic variant, due to association with hereditary breast/ovarian cancer. The variant alters a canonical splice site.

Genologica Medica
Classification: Pathogenic for Breast-ovarian cancer, familial, susceptibility to, 2. Last evaluated: 2017-01-01. Review status: criteria provided, single submitter. Criteria: ACMG Guidelines, 2015. Collection method: clinical testing. Allele origin: germline. Affected: yes.

Consortium of Investigators of Modifiers of BRCA1/2 (CIMBA), c/o University of Cambridge
Classification: Pathogenic for Breast-ovarian cancer, familial, susceptibility to, 2. Last evaluated: 2015-10-02. Review status: criteria provided, single submitter. Criteria: CIMBA Mutation Classification guidelines May 2016. Collection method: clinical testing. Allele origin: germline.

Counsyl
Classification: Pathogenic for Breast-ovarian cancer, familial, susceptibility to, 2. Last evaluated: 2016-10-27. Review status: no assertion criteria provided. Collection method: clinical testing. Allele origin: unknown. Not counted in ClinVar's aggregate classification.

Breast Cancer Information Core (BIC) (BRCA2)
Classification: Pathogenic for Breast-ovarian cancer, familial 2. Last evaluated: 2004-02-20. Review status: no assertion criteria provided. Collection method: clinical testing. Allele origin: germline. Affected: yes. Observed: 2 variant alleles. Not counted in ClinVar's aggregate classification.

Literature cited by the submitters: PubMed 22505045 (cited by 5 submitters); PubMed 30883759 (cited by Ambry Genetics and Labcorp Genetics (formerly Invitae), Labcorp); PubMed 32398771 (cited by Ambry Genetics); PubMed 12955716 (cited by 4 submitters); PubMed 21063910 (cited by Labcorp Genetics (formerly Invitae), Labcorp); PubMed 22798144 (cited by 3 submitters); PubMed 17011978 (cited by Labcorp Genetics (formerly Invitae), Labcorp); PubMed 29446198 (cited by Women's Health and Genetics/Laboratory Corporation of America, LabCorp); PubMed 31131559 (cited by Women's Health and Genetics/Laboratory Corporation of America, LabCorp).